The following is an entry in ClinVar:

NM_014991.6(WDFY3):c.5189-7C>G

Gene: WDFY3 (WD repeat and FYVE domain containing 3; minus strand). Cytogenetic location: 4q21.23.
Variant type: single nucleotide variant.
Coding change: c.5189-7C>G on transcript NM_014991.6 (MANE Select); 7 bases into the intron before coding-DNA position 5189, C replaced by G.
Molecular consequence: intron variant.
Genome position (GRCh38, 1-based): chr4:84,757,168, G>C on the plus strand (C>G on the coding strand, the complement: WDFY3 is on the minus strand). VCF-style: chr4-84757168-G-C. GRCh37 (hg19) VCF-style: chr4-85678321-G-C.
Other names: NC_000004.11:g.85678321G>C.
Identifiers: ClinVar variation 4308646 (VCV004308646.4).
Genomic context (GRCh38, chr4:84,757,168, plus strand): 5'-GGTTAATCTCCCTGACCGTCGATCTCCCACCAGCACTTCTGCCCACGTTGAATCCTAAGA[G>C]AAGAGGAATATAACAGTAAGTGCAAAATCAGCAACTGATAAACATGCTGCATTAACAAAG-3'

ClinVar aggregate classification (germline): Likely benign. Review status: criteria provided, multiple submitters, no conflicts (2 of 4 stars). 2 submissions from 2 submitters: Likely benign (2). Last evaluated 2026-06-01.

gnomAD v4.1: 625 of 1,611,540 alleles (0.039%); highest among the groups gnomAD compares: South Asian, 0.21%; 4 homozygotes.

Submissions (3):

CeGaT Center for Human Genetics Tuebingen
Classification: Likely benign. Last evaluated: 2026-06-01. Review status: criteria provided, single submitter. Criteria: CeGaT Center For Human Genetics Tuebingen Variant Classification Criteria Version 2. Collection method: clinical testing. Allele origin: germline. Affected: yes. Observed: 1 variant allele.
Comment: WDFY3: BP4, BS1

Blueprint Genetics
Classification: Likely benign. Last evaluated: 2024-11-26. Review status: criteria provided, single submitter. Criteria: ACMG Guidelines, 2015. Collection method: clinical testing. Allele origin: germline.

Dr. Peter K. Rogan Lab, Western University
No classification provided (evidence only). Condition: Acute myeloid leukemia. Review status: no classification provided. Collection method: in vitro. Allele origin: not applicable. Functional consequence: retained intron. Not counted in ClinVar's aggregate classification.